The following is an entry in ClinVar:

ClinVar aggregate classification (germline): Uncertain significance (1 of 4 stars; one submission).

Allele frequency attached by ClinVar (database versions not stated): TOPMed below 0.00001; gnomAD 0.00001.
gnomAD v4.1: 2 of 1,559,902 alleles (0.00013%); highest among the groups gnomAD compares: Non-Finnish European, 0.00017%; no homozygotes.

Submission:

GeneDx
Classification: Uncertain significance. Last evaluated: 2022-09-21. Review status: criteria provided, single submitter. Criteria: GeneDx Variant Classification Process June 2021. Collection method: clinical testing. Allele origin: germline. Affected: yes.
Comment: Not observed at significant frequency in large population cohorts (gnomAD); In silico analysis supports that this missense variant has a deleterious effect on protein structure/function; Has not been previously published as pathogenic or benign to our knowledge

NM_001148.6(ANK2):c.1387C>T (p.Arg463Cys)

Gene: ANK2 (ankyrin 2; plus strand). Cytogenetic location: 4q26.
Variant type: single nucleotide variant.
Coding change: c.1387C>T on transcript NM_001148.6 (MANE Select); coding-DNA position 1387, C replaced by T.
Protein change: p.Arg463Cys; replaces arginine 463 with cysteine.
Molecular consequence: missense variant.
Genome position (GRCh38, 1-based): chr4:113,264,897, C>T. VCF-style: chr4-113264897-C-T. GRCh37 (hg19) VCF-style: chr4-114186053-C-T.
Other names: c.1324C>T, p.Arg442Cys (NM_001127493.3, NM_001354239.2, NM_001354243.2 and 14 more transcripts); c.1387C>T, p.Arg463Cys (NM_001354225.2, NM_001354228.2, NM_001354232.2 and 8 more transcripts); c.1432C>T, p.Arg478Cys (NM_001354230.2, NM_001354231.2, NM_001354237.2 and 5 more transcripts); c.1300C>T, p.Arg434Cys (NM_001354249.2, NM_001354260.2, NM_001354264.2 and 13 more transcripts); c.1345C>T, p.Arg449Cys (NM_001354261.2, NM_001386147.1, NM_001386160.1); c.1177C>T, p.Arg393Cys (NM_001354269.3); c.1189C>T, p.Arg397Cys (NM_001354273.2); c.1102C>T, p.Arg368Cys (NM_001354277.2, NM_001386157.1, NM_001386158.1); and 4 more; short protein forms R368C, R393C, R397C, R434C, R442C, R449C, R451C, R459C.
Identifiers: ClinVar variation 2446666 (VCV002446666.1), dbSNP rs1427251703, ClinGen allele CA357930713.
Genomic context (GRCh38, chr4:113,264,897, plus strand): 5'-TTCTTTACCATCCAGAGCGGTGGGTTAATTTATGATTTGACGATCTTTGTTCCCTGGCAG[C>T]GTGGTGAGACGGCACTACACATGGCAGCCCGAGCCGGGCAGGTGGAAGTGGTCCGATGCC-3'
Protein context (NP_001139.3, residues 453-473): NGASPDVTNI[Arg463Cys]GETALHMAAR